The following is an entry in ClinVar:

ClinVar aggregate classification (germline): Likely benign. Review status: criteria provided, multiple submitters, no conflicts (2 of 4 stars). 3 submissions from 3 submitters: Likely benign (3). Last evaluated 2026-09-24.

Conditions:
Cardiovascular phenotype. Identifiers: MedGen CN230736.
VCL-related disorder. Also called: VCL-related condition.
Dilated cardiomyopathy 1W (CMD1W). Identifiers: Orphanet 154, MedGen C1969639, MONDO:0012667, OMIM 611407.

Allele frequency attached by ClinVar (database versions not stated): gnomAD exomes below 0.00001; gnomAD 0.00001.
gnomAD v4.1: 2 of 1,613,990 alleles (0.00012%); highest among the groups gnomAD compares: African/African-American, 0.0027%; no homozygotes.

Submissions (3):

PreventionGenetics, part of Exact Sciences
Classification: Likely benign for VCL-related condition. Last evaluated: 2026-09-24. Review status: criteria provided, single submitter. Criteria: ACMG Guidelines, 2015. Collection method: clinical testing. Allele origin: germline.
Comment: This variant is classified as likely benign based on ACMG/AMP sequence variant interpretation guidelines (Richards et al. 2015 PMID: 25741868, with internal and published modifications).

Labcorp Genetics (formerly Invitae), Labcorp
Classification: Likely benign for Dilated cardiomyopathy 1W. Last evaluated: 2024-03-27. Review status: criteria provided, single submitter. Criteria: Invitae Variant Classification Sherloc (09022015). Collection method: clinical testing. Allele origin: germline.

Ambry Genetics
Classification: Likely benign for Cardiovascular phenotype. Last evaluated: 2023-11-01. Review status: criteria provided, single submitter. Criteria: Ambry Variant Classification Scheme 2023. Collection method: clinical testing. Allele origin: germline.

NM_014000.3(VCL):c.2721T>C (p.Asp907=)

Gene: VCL (vinculin; plus strand). Cytogenetic location: 10q22.2.
Variant type: single nucleotide variant.
Coding change: c.2721T>C on transcript NM_014000.3 (MANE Select); coding-DNA position 2721, T replaced by C.
Protein change: p.Asp907=; no amino-acid change (aspartic acid 907 retained).
Molecular consequence: synonymous variant.
Genome position (GRCh38, 1-based): chr10:74,109,132, T>C. VCF-style: chr10-74109132-T-C. GRCh37 (hg19) VCF-style: chr10-75868890-T-C.
Other names: c.2721T>C, p.Asp907= (NM_003373.4).
Identifiers: ClinVar variation 2987851 (VCV002987851.5), dbSNP rs1840181656, ClinGen allele CA470165022.